The following is an entry in ClinVar:

ClinVar aggregate classification (germline): Uncertain significance (1 of 4 stars; one submission).

gnomAD v4.1: 1 of 1,613,336 alleles (0.000062%); highest among the groups gnomAD compares: Non-Finnish European, 0.000085%; no homozygotes.

Submission:

Women's Health and Genetics/Laboratory Corporation of America, LabCorp
Classification: Uncertain significance. Last evaluated: 2025-12-08. Review status: criteria provided, single submitter. Criteria: LabCorp Variant Classification Summary - May 2015. Collection method: clinical testing. Allele origin: germline.
Comment: Variant summary: GABRA2 c.702A>T (p.Thr234Thr) alters a conserved nucleotide located close to a canonical splice site and therefore could affect mRNA splicing, leading to a significantly altered protein sequence. Consensus agreement among computation tools predict no significant impact on normal splicing. However, these predictions have yet to be confirmed by functional studies. The variant was absent in 250840 control chromosomes. The available data on variant occurrences in the general population are insufficient to allow any conclusion about variant significance. To our knowledge, no occurrence of c.702A>T in individuals affected with GABRA2-related conditions and no experimental evidence demonstrating its impact on protein function have been reported. No submitters have cited clinical-significance assessments for this variant to ClinVar. Based on the evidence outlined above, the variant was classified as uncertain significance.

NM_000807.4(GABRA2):c.702A>T (p.Thr234=)

Gene: GABRA2 (gamma-aminobutyric acid type A receptor subunit alpha2; minus strand). Cytogenetic location: 4p12.
Variant type: single nucleotide variant.
Coding change: c.702A>T on transcript NM_000807.4 (MANE Select); coding-DNA position 702, A replaced by T.
Protein change: p.Thr234=; no amino-acid change (threonine 234 retained).
Molecular consequence: synonymous variant.
Genome position (GRCh38, 1-based): chr4:46,305,569, T>A on the plus strand (A>T on the coding strand, the complement: GABRA2 is on the minus strand). VCF-style: chr4-46305569-T-A. GRCh37 (hg19) VCF-style: chr4-46307586-T-A.
Other names: c.702A>T, p.Thr234= (NM_001114175.3, NM_001330690.2, NM_001377144.1 and 8 more transcripts); c.537A>T, p.Thr179= (NM_001286827.3, NM_001377152.1, NM_001377153.1 and 1 more transcripts).
Identifiers: ClinVar variation 4688499 (VCV004688499.1).